The following is an entry in ClinVar:

NC_000015.9:g.(?_48556570)_(48561941_?)del

Gene: SLC12A1 (solute carrier family 12 member 1; plus strand). Cytogenetic location: 15q21.1.
Variant type: Deletion.
Identifiers: ClinVar variation 3243860 (VCV003243860.1).

ClinVar aggregate classification (germline): Likely pathogenic (1 of 4 stars; one submission).

Submission:

Labcorp Genetics (formerly Invitae), Labcorp
Classification: Likely pathogenic. Last evaluated: 2023-04-19. Review status: criteria provided, single submitter. Criteria: Invitae Variant Classification Sherloc (09022015). Collection method: clinical testing. Allele origin: unknown.
Comment: In summary, the currently available evidence indicates that the variant is pathogenic, but additional data are needed to prove that conclusively. Therefore, this variant has been classified as Likely Pathogenic. This variant disrupts a region of the SLC12A1 protein in which other variant(s) (p.Gly759Asp) have been observed in individuals with SLC12A1-related conditions (PMID: 36305432). This suggests that this is a clinically significant region of the protein, and that variants that disrupt it are likely to be disease-causing. This variant has not been reported in the literature in individuals affected with SLC12A1-related conditions. This variant results in the deletion of exon 18 and part of exon 19 (c.2155-3188_2382delinsCTT) of the SLC12A1 gene. It is expected to disrupt RNA splicing. Variants that disrupt the donor or acceptor splice site typically lead to a loss of protein function (PMID: 16199547), and loss-of-function variants in SLC12A1 are known to be pathogenic (PMID: 8640224, 9585600, 19096086).

Literature cited by the submitters: PubMed 36305432; PubMed 16199547; PubMed 8640224; PubMed 9585600; PubMed 19096086.